The following is an entry in ClinVar:

NM_000493.4(COL10A1):c.773G>A (p.Arg258Gln)

Genes: COL10A1 (collagen type X alpha 1 chain; minus strand), NT5DC1 (5'-nucleotidase domain containing 1; plus strand). Cytogenetic location: 6q22.1.
Variant type: single nucleotide variant.
Coding change: c.773G>A on transcript NM_000493.4 (MANE Select); coding-DNA position 773, G replaced by A.
Protein change: p.Arg258Gln; replaces arginine 258 with glutamine.
Molecular consequence: missense variant. On other transcripts: intron variant (1).
Genome position (GRCh38, 1-based): chr6:116,121,343, C>T on the plus strand (G>A on the coding strand, the complement: COL10A1 is on the minus strand). VCF-style: chr6-116121343-C-T. GRCh37 (hg19) VCF-style: chr6-116442506-C-T.
Other names: c.773G>A, p.Arg258Gln (NM_001424106.1, NM_001424107.1); c.529+3398C>T (NM_152729.3); short protein forms R258Q.
Identifiers: ClinVar variation 355101 (VCV000355101.17), dbSNP rs144479322, ClinGen allele CA3968325.

ClinVar aggregate classification (germline): Benign/Likely benign. Review status: criteria provided, multiple submitters, no conflicts (2 of 4 stars). 7 submissions from 7 submitters: Benign (1); Likely benign (4). 2 of the submissions do not count toward it. Last evaluated 2025-12-31.

Conditions:
Metaphyseal chondrodysplasia, Schmid type (MCDS). Also called: SPONDYLOMETAPHYSEAL DYSPLASIA, JAPANESE TYPE. Identifiers: Orphanet 174, MedGen C0265289, MONDO:0007983, OMIM 156500.
Inborn genetic diseases. Identifiers: MedGen C0950123, MeSH D030342.

Allele frequency attached by ClinVar (database versions not stated): TOPMed 0.00042; ExAC 0.00056; ESP Exome Variant Server 0.00062.
gnomAD v4.1: 944 of 1,613,848 alleles (0.058%); highest among the groups gnomAD compares: Non-Finnish European, 0.076%; 1 homozygote.

Submissions (7):

Labcorp Genetics (formerly Invitae), Labcorp
Classification: Likely benign. Last evaluated: 2025-12-31. Review status: criteria provided, single submitter. Criteria: Invitae Variant Classification Sherloc (09022015). Collection method: clinical testing. Allele origin: germline.

Blueprint Genetics
Classification: Likely benign. Last evaluated: 2024-08-20. Review status: criteria provided, single submitter. Criteria: ACMG Guidelines, 2015. Collection method: clinical testing. Allele origin: germline.

Ambry Genetics
Classification: Likely benign for Inborn genetic diseases. Last evaluated: 2022-11-08. Review status: criteria provided, single submitter. Criteria: Ambry Variant Classification Scheme 2023. Collection method: clinical testing. Allele origin: germline.

Illumina Laboratory Services, Illumina
Classification: Benign for Metaphyseal chondrodysplasia, Schmid type. Last evaluated: 2018-01-12. Review status: criteria provided, single submitter. Criteria: ICSL Variant Classification Criteria 13 December 2019. Collection method: clinical testing. Allele origin: germline.
Comment: This variant was observed in the ICSL laboratory as part of a predisposition screen in an ostensibly healthy population. It had not been previously curated by ICSL or reported in the Human Gene Mutation Database (HGMD: prior to June 1st, 2018), and was therefore a candidate for classification through an automated scoring system. Utilizing variant allele frequency, disease prevalence and penetrance estimates, and inheritance mode, an automated score was calculated to assess if this variant is too frequent to cause the disease. Based on the score and internal cut-off values, a variant classified as benign is not then subjected to further curation. The score for this variant resulted in a classification of benign for this disease.

Breakthrough Genomics
Classification: Likely benign. Review status: criteria provided, single submitter. Criteria: ACMG Guidelines, 2015. Collection method: not provided. Allele origin: germline. Inheritance: Autosomal dominant inheritance. Affected: yes.

Clinical Genetics DNA and cytogenetics Diagnostics Lab, Erasmus MC, Erasmus Medical Center
Classification: Likely benign. Review status: no assertion criteria provided. Collection method: clinical testing. Allele origin: germline. Affected: yes. Study: VKGL Data-share Consensus. Not counted in ClinVar's aggregate classification.

Laboratory of Diagnostic Genome Analysis, Leiden University Medical Center (LUMC)
Classification: Likely benign. Review status: no assertion criteria provided. Collection method: clinical testing. Allele origin: germline. Affected: yes. Study: VKGL Data-share Consensus. Not counted in ClinVar's aggregate classification.